The following is an entry in ClinVar:

NM_006031.6(PCNT):c.2242A>G (p.Lys748Glu)

Gene: PCNT (pericentrin; plus strand). Cytogenetic location: 21q22.3.
Variant type: single nucleotide variant.
Coding change: c.2242A>G on transcript NM_006031.6 (MANE Select); coding-DNA position 2242, A replaced by G.
Protein change: p.Lys748Glu; replaces lysine 748 with glutamic acid.
Molecular consequence: missense variant.
Genome position (GRCh38, 1-based): chr21:46,363,567, A>G. VCF-style: chr21-46363567-A-G. GRCh37 (hg19) VCF-style: chr21-47783482-A-G.
Other names: c.1888A>G, p.Lys630Glu (NM_001315529.2); short protein forms K630E, K748E.
Identifiers: ClinVar variation 3350022 (VCV003350022.1).
Genomic context (GRCh38, chr21:46,363,567, plus strand): 5'-CAGAAGGAACTAAATAATGCTAAGCAAAAGACTGAGCTGATGAAACAGGAATTCCAAAGA[A>G]AAGAAACGGACTGGAAAGTTATGAAGGAGGAGCTACAGCGGGAAGCTGAGGAGAAGTTAA-3'
Protein context (NP_006022.3, residues 738-758): TELMKQEFQR[Lys748Glu]ETDWKVMKEE

ClinVar aggregate classification (germline): Uncertain significance (0 of 4 stars; one submission).

Conditions:
PCNT-related disorder. Also called: PCNT-related condition.

Submission:

PreventionGenetics, part of Exact Sciences
Classification: Uncertain significance for PCNT-related condition. Last evaluated: 2023-11-19. Review status: no assertion criteria provided. Collection method: clinical testing. Allele origin: germline.
Comment: The PCNT c.2242A>G variant is predicted to result in the amino acid substitution p.Lys748Glu. To our knowledge, this variant has not been reported in the literature or in a large population database, indicating this variant is rare. At this time, the clinical significance of this variant is uncertain due to the absence of conclusive functional and genetic evidence.